The following is an entry in ClinVar:

NM_005802.5(TOPORS):c.2988C>T (p.Leu996=)

Gene: TOPORS (TOP1 binding arginine/serine rich protein, E3 ubiquitin ligase; minus strand). Cytogenetic location: 9p21.1.
Variant type: single nucleotide variant.
Coding change: c.2988C>T on transcript NM_005802.5 (MANE Select); coding-DNA position 2988, C replaced by T.
Protein change: p.Leu996=; no amino-acid change (leucine 996 retained).
Molecular consequence: synonymous variant.
Genome position (GRCh38, 1-based): chr9:32,541,537, G>A on the plus strand (C>T on the coding strand, the complement: TOPORS is on the minus strand). VCF-style: chr9-32541537-G-A. GRCh37 (hg19) VCF-style: chr9-32541535-G-A.
Other names: c.2793C>T, p.Leu931= (NM_001195622.2).
Identifiers: ClinVar variation 366559 (VCV000366559.19), dbSNP rs3814518, ClinGen allele CA5020285.
Genomic context (GRCh38, chr9:32,541,537, plus strand): 5'-CACAATGTTACTGGGCTGGTTCTCCAAATCAGAAACAAAGGTGCTCTCTTCTCTTACATC[G>A]AGAGTTTGTTCAACTGAAGCTGCCAGAGGTGGAATATTATCTACAGTTTTGTTGGCATTA-3'
Protein context (NP_005793.2, residues 986-1006): PPLAASVEQT[Leu996=]DVREESTFVS

ClinVar aggregate classification (germline): Benign/Likely benign. Review status: criteria provided, multiple submitters, no conflicts (2 of 4 stars). 5 submissions from 5 submitters: Benign (3); Likely benign (1). 1 of the submissions does not count toward it. Last evaluated 2025-12-29.

Conditions:
Retinitis pigmentosa 31 (RP31). Identifiers: Orphanet 791, MedGen C1835923, MONDO:0012367, OMIM 609923.
Retinal dystrophy. Also called: Inherited retinal dystrophy. Identifiers: Orphanet 71862, MedGen C0854723, MeSH D058499, MONDO:0019118, HP:0000556.
Retinitis pigmentosa (RP). Identifiers: Orphanet 791, MedGen C0035334, MeSH D012174, MONDO:0019200, OMIM 268000. Inheritance: Autosomal dominant, autosomal recessive and X linked inheritance.
TOPORS-related disorder. Also called: TOPORS-related condition.

Allele frequency attached by ClinVar (database versions not stated): gnomAD 0.00083 and 0.00119; TOPMed 0.00158; ExAC 0.00255; gnomAD exomes 0.00256; 1000 Genomes Project 30x 0.00406; 1000 Genomes Project 0.00439.
gnomAD v4.1: 1,532 of 1,614,128 alleles (0.095%); highest among the groups gnomAD compares: East Asian, 3%; 33 homozygotes.

Submissions (5):

Labcorp Genetics (formerly Invitae), Labcorp
Classification: Benign. Last evaluated: 2025-12-29. Review status: criteria provided, single submitter. Criteria: Invitae Variant Classification Sherloc (09022015). Collection method: clinical testing. Allele origin: germline.

Dept Of Ophthalmology, Nagoya University
Classification: Benign for Retinal dystrophy. Last evaluated: 2023-10-01. Review status: criteria provided, single submitter. Criteria: Submitter's publication. Collection method: research. Allele origin: germline. Affected: yes.

Fulgent Genetics
Classification: Likely benign for Retinitis pigmentosa 31. Last evaluated: 2022-04-06. Review status: criteria provided, single submitter. Criteria: ACMG Guidelines, 2015. Collection method: clinical testing. Allele origin: unknown.

Illumina Laboratory Services, Illumina
Classification: Benign for Retinitis pigmentosa. Last evaluated: 2018-01-13. Review status: criteria provided, single submitter. Criteria: ICSL Variant Classification Criteria 13 December 2019. Collection method: clinical testing. Allele origin: germline.
Comment: This variant was observed in the ICSL laboratory as part of a predisposition screen in an ostensibly healthy population. It had not been previously curated by ICSL or reported in the Human Gene Mutation Database (HGMD: prior to June 1st, 2018), and was therefore a candidate for classification through an automated scoring system. Utilizing variant allele frequency, disease prevalence and penetrance estimates, and inheritance mode, an automated score was calculated to assess if this variant is too frequent to cause the disease. Based on the score and internal cut-off values, a variant classified as benign is not then subjected to further curation. The score for this variant resulted in a classification of benign for this disease.

PreventionGenetics, part of Exact Sciences
Classification: Benign for TOPORS-related condition. Last evaluated: 2019-05-28. Review status: no assertion criteria provided. Collection method: clinical testing. Allele origin: germline. Not counted in ClinVar's aggregate classification.
Comment: This variant is classified as benign based on ACMG/AMP sequence variant interpretation guidelines (Richards et al. 2015 PMID: 25741868, with internal and published modifications).